The following is an entry in ClinVar:

ClinVar aggregate classification (germline): Uncertain significance. Review status: criteria provided, multiple submitters, no conflicts (2 of 4 stars). 4 submissions from 4 submitters: Uncertain significance (4). Last evaluated 2024-05-07.

Conditions:
Moyamoya disease 5 (MYMY5). Identifiers: Orphanet 2573, MedGen C3279690, MONDO:0013542, OMIM 614042.
Multisystemic smooth muscle dysfunction syndrome (SMDYS). Also called: MYDRIASIS, CONGENITAL, WITH PATENT DUCTUS ARTERIOSUS, THORACIC AORTIC ANEURYSM, AND VASCULOPATHY; SMOOTH MUSCLE DYSFUNCTION SYNDROME. Identifiers: Orphanet 404463, MedGen C3151201, MONDO:0013452, OMIM 613834.
Aortic aneurysm, familial thoracic 6 (AAT6). Also called: FAMILIAL THORACIC AORTIC ANEURYSM WITH LIVEDO RETICULARIS AND IRIS FLOCCULI. Identifiers: MedGen C2673186, MONDO:0012730, OMIM 611788.

Allele frequency attached by ClinVar (database versions not stated): gnomAD exomes below 0.00001; gnomAD 0.00001.
gnomAD v4.1: 2 of 1,613,810 alleles (0.00012%); highest among the groups gnomAD compares: Non-Finnish European, 0.00017%; no homozygotes.

Submissions (4):

Blueprint Genetics
Classification: Uncertain significance. Last evaluated: 2024-05-07. Review status: criteria provided, single submitter. Criteria: ACMG Guidelines, 2015. Collection method: clinical testing. Allele origin: germline.

Fulgent Genetics
Classification: Uncertain significance for Aortic aneurysm, familial thoracic 6; Multisystemic smooth muscle dysfunction syndrome; Moyamoya disease 5. Last evaluated: 2024-05-07. Review status: criteria provided, single submitter. Criteria: ACMG Guidelines, 2015. Collection method: clinical testing. Allele origin: germline.

Victorian Clinical Genetics Services, Murdoch Childrens Research Institute
Classification: Uncertain significance for Aortic aneurysm, familial thoracic 6. Last evaluated: 2023-07-17. Review status: criteria provided, single submitter. Criteria: ACMG Guidelines, 2015. Collection method: clinical testing. Allele origin: germline. Inheritance: Autosomal dominant inheritance. Affected: yes.
Comment: Based on the classification scheme VCGS_Germline_v1.3.4, this variant is classified as VUS-3B. Following criteria are met: 0104 - Dominant negative is a known mechanism of disease in this gene and is associated with familial thoracic aortic aneurysm 6 (MIM#611788), Moyamoya disease 5 (MIM#614042) and multisystemic smooth muscle dysfunction syndrome (MIM#613834) (PMID: 27551047, 28652363). (I) 0107 - This gene is associated with autosomal dominant disease. (I) 0200 - Variant is predicted to result in a missense amino acid change from threonine to isoleucine. (I) 0251 - This variant is heterozygous. (I) 0302 - Variant is present in gnomAD (v2) <0.001 for a dominant condition (1 heterozygote, 0 homozygotes). (SP) 0502 - Missense variant with conflicting in silico predictions and uninformative conservation. (I) 0600 - Variant is located in the annotated actin domain (DECIPHER). (I) 0705 - No comparable missense variants have previous evidence for pathogenicity. (I) 0809 - Previous evidence of pathogenicity for this variant is inconclusive. This variant has been classified as a VUS by one clinical diagnostic laboratory (ClinVar). (I) 0905 - No published segregation evidence has been identified for this variant. (I) 1007 - No published functional evidence has been identified for this variant. (I) 1208 - Inheritance information for this variant is not currently available in this individual. (I) Legend: (SP) - Supporting pathogenic, (I) - Information, (SB) - Supporting benign

Labcorp Genetics (formerly Invitae), Labcorp
Classification: Uncertain significance for Aortic aneurysm, familial thoracic 6. Last evaluated: 2016-12-13. Review status: criteria provided, single submitter. Criteria: Invitae Variant Classification Sherloc (09022015). Collection method: clinical testing. Allele origin: germline.
Comment: Algorithms developed to predict the effect of missense changes on protein structure and function do not agree on the potential impact of this missense change (SIFT: "Deleterious"; PolyPhen-2: "Possibly Damaging"; Align-GVGD: "Class C0"). In summary, this variant is a novel missense change with uncertain impact on protein function. It has been classified as a Variant of Uncertain Significance. This variant is not present in population databases (ExAC no frequency) and has not been reported in the literature in individuals with a ACTA2-related disease. This sequence change replaces threonine with isoleucine at codon 68 of the ACTA2 protein (p.Thr68Ile). The threonine residue is highly conserved and there is a moderate physicochemical difference between threonine and isoleucine.

Literature cited by the submitters: PubMed 27551047 (cited by Victorian Clinical Genetics Services, Murdoch Childrens Research Institute); PubMed 28652363 (cited by Victorian Clinical Genetics Services, Murdoch Childrens Research Institute).

NM_001613.4(ACTA2):c.203C>T (p.Thr68Ile)

Gene: ACTA2 (actin alpha 2, smooth muscle; minus strand). Cytogenetic location: 10q23.31.
Variant type: single nucleotide variant.
Coding change: c.203C>T on transcript NM_001613.4 (MANE Select); coding-DNA position 203, C replaced by T.
Protein change: p.Thr68Ile; replaces threonine 68 with isoleucine.
Molecular consequence: missense variant.
Genome position (GRCh38, 1-based): chr10:88,947,313, G>A on the plus strand (C>T on the coding strand, the complement: ACTA2 is on the minus strand). VCF-style: chr10-88947313-G-A. GRCh37 (hg19) VCF-style: chr10-90707070-G-A.
Other names: c.203C>T, p.Thr68Ile (NM_001141945.3, NM_001320855.2, NM_001406462.1 and 4 more transcripts); short protein forms T68I.
Identifiers: ClinVar variation 404176 (VCV000404176.13), dbSNP rs1060500132, ClinGen allele CA16613189.